The following is an entry in ClinVar:

NM_032802.4(SPPL2A):c.288T>G (p.His96Gln)

Gene: SPPL2A (signal peptide peptidase like 2A; minus strand). Cytogenetic location: 15q21.2.
Variant type: single nucleotide variant.
Coding change: c.288T>G on transcript NM_032802.4 (MANE Select); coding-DNA position 288, T replaced by G.
Protein change: p.His96Gln; replaces histidine 96 with glutamine.
Molecular consequence: missense variant.
Genome position (GRCh38, 1-based): chr15:50,748,760, A>C on the plus strand (T>G on the coding strand, the complement: SPPL2A is on the minus strand). VCF-style: chr15-50748760-A-C. GRCh37 (hg19) VCF-style: chr15-51040957-A-C.
Other names: short protein forms H96Q.
Identifiers: ClinVar variation 3701311 (VCV003701311.2).

ClinVar aggregate classification (germline): Uncertain significance (1 of 4 stars; one submission).

Submission:

Labcorp Genetics (formerly Invitae), Labcorp
Classification: Uncertain significance. Last evaluated: 2024-07-15. Review status: criteria provided, single submitter. Criteria: Invitae Variant Classification Sherloc (09022015). Collection method: clinical testing. Allele origin: germline.
Comment: This sequence change replaces histidine, which is basic and polar, with glutamine, which is neutral and polar, at codon 96 of the SPPL2A protein (p.His96Gln). This variant is not present in population databases (gnomAD no frequency). This variant has not been reported in the literature in individuals affected with SPPL2A-related conditions. An algorithm developed to predict the effect of missense changes on protein structure and function outputs the following: PolyPhen-2: "Benign". The glutamine amino acid residue is found in multiple mammalian species, which suggests that this missense change does not adversely affect protein function. In summary, the available evidence is currently insufficient to determine the role of this variant in disease. Therefore, it has been classified as a Variant of Uncertain Significance.